The following is an entry in ClinVar:

NM_000059.4(BRCA2):c.1250C>A (p.Ser417Tyr)

Gene: BRCA2 (BRCA2 DNA repair associated; plus strand). Cytogenetic location: 13q13.1.
Variant type: single nucleotide variant.
Coding change: c.1250C>A on transcript NM_000059.4 (MANE Select); coding-DNA position 1250, C replaced by A.
Protein change: p.Ser417Tyr; replaces serine 417 with tyrosine.
Molecular consequence: missense variant.
Genome position (GRCh38, 1-based): chr13:32,332,728, C>A. VCF-style: chr13-32332728-C-A. GRCh37 (hg19) VCF-style: chr13-32906865-C-A.
Other names: short protein forms S417Y.
Identifiers: ClinVar variation 924144 (VCV000924144.6), dbSNP rs1335782281, ClinGen allele CA387762277.
Genomic context (GRCh38, chr13:32,332,728, plus strand): 5'-AACTAACCCTTTCAGGTCTAAATGGAGCCCAGATGGAGAAAATACCCCTATTGCATATTT[C>A]TTCATGTGACCAAAATATTTCAGAAAAAGACCTATTAGACACAGAGAACAAAAGAAAGAA-3'
Protein context (NP_000050.3, residues 407-427): QMEKIPLLHI[Ser417Tyr]SCDQNISEKD

ClinVar aggregate classification (germline): Conflicting classifications of pathogenicity. Review status: criteria provided, conflicting classifications (1 of 4 stars). 2 submissions from 2 submitters: Uncertain significance (1); Likely benign (1). Last evaluated 2023-03-23.

Conditions:
Hereditary cancer-predisposing syndrome. Also called: Neoplastic Syndromes, Hereditary; Tumor predisposition; Hereditary Cancer Syndrome; Hereditary neoplastic syndrome. Identifiers: Orphanet 140162, MedGen C0027672, MeSH D009386, MONDO:0015356.

Submissions (2):

University of Washington Department of Laboratory Medicine, University of Washington
Classification: Likely benign for Hereditary cancer-predisposing syndrome. Last evaluated: 2023-03-23. Review status: criteria provided, single submitter. Criteria: Dines et al. (Genet Med. 2020). Collection method: curation. Allele origin: germline.
Comment: Missense variant in a coldspot region where missense variants are very unlikely to be pathogenic (PMID:31911673).

BRCA2 exon 10 coldspot. Reclassification based on statistical prior probability.

Color Diagnostics, LLC DBA Color Health
Classification: Uncertain significance for Hereditary cancer-predisposing syndrome. Last evaluated: 2023-01-23. Review status: criteria provided, single submitter. Criteria: ACMG Guidelines, 2015. Collection method: clinical testing. Allele origin: germline.
Comment: This missense variant replaces serine with tyrosine at codon 417 of the BRCA2 protein. Computational prediction suggests that this variant may not impact protein structure and function (internally defined REVEL score threshold <= 0.5, PMID: 27666373). To our knowledge, functional studies have not been reported for this variant. This variant has not been reported in individuals affected with BRCA2-related disorders in the literature. This variant has not been identified in the general population by the Genome Aggregation Database (gnomAD). The available evidence is insufficient to determine the role of this variant in disease conclusively. Therefore, this variant is classified as a Variant of Uncertain Significance.